The following is an entry in ClinVar:

ClinVar aggregate classification (germline): Uncertain significance. Review status: criteria provided, multiple submitters, no conflicts (2 of 4 stars). 2 submissions from 2 submitters: Uncertain significance (2). Last evaluated 2025-11-23.

Allele frequency attached by ClinVar (database versions not stated): gnomAD 0.00001; TOPMed 0.00001; ExAC 0.00002; gnomAD exomes 0.00002.
gnomAD v4.1: 30 of 1,613,774 alleles (0.0019%); highest among the groups gnomAD compares: Non-Finnish European, 0.0024%; no homozygotes.

Submissions (2):

Labcorp Genetics (formerly Invitae), Labcorp
Classification: Uncertain significance. Last evaluated: 2025-11-23. Review status: criteria provided, single submitter. Criteria: Invitae Variant Classification Sherloc (09022015). Collection method: clinical testing. Allele origin: germline.
Comment: This sequence change replaces alanine, which is neutral and non-polar, with threonine, which is neutral and polar, at codon 1740 of the DSCAML1 protein (p.Ala1740Thr). This variant is present in population databases (rs761046116, gnomAD 0.003%). This variant has not been reported in the literature in individuals affected with DSCAML1-related conditions. ClinVar contains an entry for this variant (Variation ID: 2169055). An algorithm developed to predict the effect of missense changes on protein structure and function (PolyPhen-2) suggests that this variant is likely to be tolerated. In summary, the available evidence is currently insufficient to determine the role of this variant in disease. Therefore, it has been classified as a Variant of Uncertain Significance.

Ambry Genetics
Classification: Uncertain significance. Last evaluated: 2022-03-29. Review status: criteria provided, single submitter. Criteria: Ambry Variant Classification Scheme 2023. Collection method: clinical testing. Allele origin: germline.

NM_020693.4(DSCAML1):c.5038G>A (p.Ala1680Thr)

Gene: DSCAML1 (DS cell adhesion molecule like 1; minus strand). Cytogenetic location: 11q23.3.
Variant type: single nucleotide variant.
Coding change: c.5038G>A on transcript NM_020693.4 (MANE Select); coding-DNA position 5038, G replaced by A.
Protein change: p.Ala1680Thr; replaces alanine 1680 with threonine.
Molecular consequence: missense variant.
Genome position (GRCh38, 1-based): chr11:117,432,493, C>T on the plus strand (G>A on the coding strand, the complement: DSCAML1 is on the minus strand). VCF-style: chr11-117432493-C-T. GRCh37 (hg19) VCF-style: chr11-117303209-C-T.
Other names: c.5218G>A (NM_020693.2); short protein forms A1680T.
Identifiers: ClinVar variation 2169055 (VCV002169055.5), dbSNP rs761046116, ClinGen allele CA6296171.